The following is an entry in ClinVar:

NM_006922.4(SCN3A):c.1933C>T (p.His645Tyr)

Gene: SCN3A (sodium voltage-gated channel alpha subunit 3; minus strand). Cytogenetic location: 2q24.3.
Variant type: single nucleotide variant.
Coding change: c.1933C>T on transcript NM_006922.4 (MANE Select); coding-DNA position 1933, C replaced by T.
Protein change: p.His645Tyr; replaces histidine 645 with tyrosine.
Molecular consequence: missense variant. On other transcripts: intron variant (2).
Genome position (GRCh38, 1-based): chr2:165,140,737, G>A on the plus strand (C>T on the coding strand, the complement: SCN3A is on the minus strand). VCF-style: chr2-165140737-G-A. GRCh37 (hg19) VCF-style: chr2-165997247-G-A.
Other names: c.1872+61C>T (NM_001081676.2, NM_001081677.2); short protein forms H645Y.
Identifiers: ClinVar variation 2694622 (VCV002694622.3), dbSNP rs2468322908, ClinGen allele CA349046266.

ClinVar aggregate classification (germline): Uncertain significance (1 of 4 stars; one submission).

Submission:

Labcorp Genetics (formerly Invitae), Labcorp
Classification: Uncertain significance. Last evaluated: 2023-11-10. Review status: criteria provided, single submitter. Criteria: Invitae Variant Classification Sherloc (09022015). Collection method: clinical testing. Allele origin: germline.
Comment: This sequence change replaces histidine, which is basic and polar, with tyrosine, which is neutral and polar, at codon 645 of the SCN3A protein (p.His645Tyr). This variant is not present in population databases (gnomAD no frequency). This variant has not been reported in the literature in individuals affected with SCN3A-related conditions. Advanced modeling of protein sequence and biophysical properties (such as structural, functional, and spatial information, amino acid conservation, physicochemical variation, residue mobility, and thermodynamic stability) performed at Invitae indicates that this missense variant is not expected to disrupt SCN3A protein function with a negative predictive value of 80%. In summary, the available evidence is currently insufficient to determine the role of this variant in disease. Therefore, it has been classified as a Variant of Uncertain Significance.